The following is an entry in ClinVar:

ClinVar aggregate classification (germline): Uncertain significance. Review status: criteria provided, multiple submitters, no conflicts (2 of 4 stars). 11 submissions from 11 submitters: Uncertain significance (10). 1 of the submissions does not count toward it. Last evaluated 2026-02-06.

Conditions:
ATM-related disorder. Also called: ATM-related disorders; ATM-related condition.
Hereditary cancer-predisposing syndrome. Also called: Neoplastic Syndromes, Hereditary; Tumor predisposition; Hereditary Cancer Syndrome; Hereditary neoplastic syndrome. Identifiers: Orphanet 140162, MedGen C0027672, MeSH D009386, MONDO:0015356.
Ataxia-telangiectasia syndrome (AT). Also called: Cerebello-oculocutaneous telangiectasia; Immunodeficiency with ataxia telangiectasia; ATAXIA-TELANGIECTASIA, COMPLEMENTATION GROUP A; ATAXIA-TELANGIECTASIA, FRESNO VARIANT; Ataxia-telangiectasia; Ataxia-telangiectasia, complementation group E. Identifiers: Orphanet 100, MedGen C0004135, MONDO:0008840, OMIM 208900.
Familial cancer of breast. Also called: hereditary breast carcinoma; BREAST CANCER, FAMILIAL; Hereditary breast cancer. Identifiers: Orphanet 227535, MedGen C0346153, MONDO:0016419, OMIM 114480. Disease mechanism: loss of function.

Allele frequency attached by ClinVar (database versions not stated): TOPMed below 0.00001; ExAC 0.00002; gnomAD exomes 0.00002 and 0.00003.
gnomAD v4.1: 26 of 1,607,408 alleles (0.0016%); highest among the groups gnomAD compares: South Asian, 0.011%; no homozygotes.

Submissions (11):

PreventionGenetics, part of Exact Sciences
Classification: Uncertain significance for ATM-related condition. Last evaluated: 2026-02-06. Review status: criteria provided, single submitter. Criteria: ACMG Guidelines, 2015. Collection method: clinical testing. Allele origin: germline.
Comment: The ATM c.2942G>A variant is predicted to result in the amino acid substitution p.Arg981His. This variant has been reported in individuals with breast cancer or prostate cancer (Table S5, Decker et al. 2017. PubMed ID: 28779002; Table S2, Matejcic et al. 2020. PubMed ID: 32832836; Supplemental data, Breast Cancer Association Consortium et al. 2021. PubMed ID: 33471991). This variant has also been seen in control individuals (Supplemental data, Breast Cancer Association Consortium et al. 2021. PubMed ID: 33471991). This variant is reported in 0.013% of alleles in individuals of South Asian descent in gnomAD and is interpreted as uncertain in ClinVar (Variation ID: 230737). At this time, the clinical significance of this variant is uncertain due to the absence of conclusive functional and genetic evidence.

Ambry Genetics
Classification: Uncertain significance for Hereditary cancer-predisposing syndrome. Last evaluated: 2025-03-31. Review status: criteria provided, single submitter. Criteria: Ambry Variant Classification Scheme 2023. Collection method: clinical testing. Allele origin: germline.
Comment: The p.R981H variant (also known as c.2942G>A), located in coding exon 19 of the ATM gene, results from a G to A substitution at nucleotide position 2942. The arginine at codon 981 is replaced by histidine, an amino acid with highly similar properties. This alteration has been reported in at least one subject in a study of 13087 breast cancer cases and 5488 control individuals in the UK (Decker B et al. J Med Genet, 2017 11;54:732-741). This variant was also identified in a cohort of 3,579 African males diagnosed with prostate cancer who underwent multi-gene panel testing of 19 DNA repair and cancer predisposition genes (Matejcic M et al. JCO Precis Oncol, 2020 Jan;4:32-43). This amino acid position is highly conserved in available vertebrate species. In addition, the in silico prediction for this alteration is inconclusive. Based on the available evidence, the clinical significance of this variant remains unclear.

Color Diagnostics, LLC DBA Color Health
Classification: Uncertain significance for Hereditary cancer-predisposing syndrome. Last evaluated: 2025-02-03. Review status: criteria provided, single submitter. Criteria: ACMG Guidelines, 2015. Collection method: clinical testing. Allele origin: germline.
Comment: This missense variant replaces arginine with histidine at codon 981 of the ATM protein. Computational prediction suggests that this variant may not impact protein structure and function. To our knowledge, functional studies have not been performed for this variant. This variant has been reported in individuals affected with breast cancer (PMID: 28779002, 33471991). In a large international case-control study, this variant was reported in 2/60466 breast cancer cases and 1/53461 controls (OR=1.768, 95%CI 0.16 to 19.503, p-value=1; PMID: 33471991). This variant has also been identified in 7/250702 chromosomes in the general population by the Genome Aggregation Database (gnomAD). The available evidence is insufficient to determine the role of this variant in disease conclusively. Therefore, this variant is classified as a Variant of Uncertain Significance.

Labcorp Genetics (formerly Invitae), Labcorp
Classification: Uncertain significance for Ataxia-telangiectasia syndrome. Last evaluated: 2025-01-29. Review status: criteria provided, single submitter. Criteria: Invitae Variant Classification Sherloc (09022015). Collection method: clinical testing. Allele origin: germline.
Comment: This sequence change replaces arginine, which is basic and polar, with histidine, which is basic and polar, at codon 981 of the ATM protein (p.Arg981His). This variant is present in population databases (rs755896387, gnomAD 0.01%). This variant has not been reported in the literature in individuals affected with ATM-related conditions. ClinVar contains an entry for this variant (Variation ID: 230737). Invitae Evidence Modeling of protein sequence and biophysical properties (such as structural, functional, and spatial information, amino acid conservation, physicochemical variation, residue mobility, and thermodynamic stability) indicates that this missense variant is not expected to disrupt ATM protein function with a negative predictive value of 95%. In summary, the available evidence is currently insufficient to determine the role of this variant in disease. Therefore, it has been classified as a Variant of Uncertain Significance.

Department of Pathology and Laboratory Medicine, Sinai Health System
Classification: Uncertain significance for Familial cancer of breast. Last evaluated: 2024-11-05. Review status: criteria provided, single submitter. Criteria: ACMG Guidelines, 2015. Collection method: clinical testing. Allele origin: germline. Affected: yes.

Quest Diagnostics Nichols Institute San Juan Capistrano
Classification: Uncertain significance. Last evaluated: 2024-09-12. Review status: criteria provided, single submitter. Criteria: Quest Diagnostics criteria. Collection method: clinical testing. Allele origin: unknown.
Comment: The ATM c.2942G>A (p.Arg981His) variant has been reported in the published literature in individuals with breast cancer (PMID: 33471991 (2021), 28779002 (2017), see also LOVD). This variant has also been observed in a reportedly healthy individual (PMID: 33471991 (2021), see also LOVD). The frequency of this variant in the general population, 0.00013 (4/30518 chromosomes (Genome Aggregation Database)), is uninformative in the assessment of its pathogenicity. Analysis of this variant using bioinformatics tools for the prediction of the effect of amino acid changes on protein structure and function yielded predictions that this variant is benign. Based on the available information, we are unable to determine the clinical significance of this variant.

Baylor Genetics
Classification: Uncertain significance for Familial cancer of breast. Last evaluated: 2024-01-15. Review status: criteria provided, single submitter. Criteria: ACMG Guidelines, 2015. Collection method: clinical testing. Allele origin: unknown.

GeneDx
Classification: Uncertain significance. Last evaluated: 2023-02-03. Review status: criteria provided, single submitter. Criteria: GeneDx Variant Classification Process June 2021. Collection method: clinical testing. Allele origin: germline. Affected: yes.
Comment: Not observed at a significant frequency in large population cohorts (gnomAD); In silico analysis supports that this missense variant does not alter protein structure/function; This variant is associated with the following publications: (PMID: 19781682, 28779002)

Blueprint Genetics
Classification: Uncertain significance. Last evaluated: 2022-09-20. Review status: criteria provided, single submitter. Criteria: ACMG Guidelines, 2015. Collection method: clinical testing. Allele origin: germline.

Women's Health and Genetics/Laboratory Corporation of America, LabCorp
Classification: Uncertain significance. Last evaluated: 2019-10-04. Review status: criteria provided, single submitter. Criteria: LabCorp Variant Classification Summary - May 2015. Collection method: clinical testing. Allele origin: germline.
Comment: Variant summary: ATM c.2942G>A (p.Arg981His) results in a non-conservative amino acid change in the encoded protein sequence. Three of five in-silico tools predict a benign effect of the variant on protein function. The variant allele was found at a frequency of 2.8e-05 in 250702 control chromosomes. The available data on variant occurrences in the general population are insufficient to allow any conclusion about variant significance. To our knowledge, no occurrence of c.2942G>A in individuals affected with Breast Cancer and no experimental evidence demonstrating its impact on protein function have been reported. Four clinical diagnostic laboratories have submitted clinical-significance assessments for this variant to ClinVar after 2014 without evidence for independent evaluation. All laboratories classified the variant as uncertain significance. Based on the evidence outlined above, the variant was classified as uncertain significance.

Natera, Inc.
Classification: Uncertain significance for Ataxia-telangiectasia. Last evaluated: 2020-02-21. Review status: no assertion criteria provided. Collection method: clinical testing. Allele origin: germline. Not counted in ClinVar's aggregate classification.

Literature cited by the submitters: PubMed 28779002 (cited by 4 submitters); PubMed 32832836 (cited by Ambry Genetics and Quest Diagnostics Nichols Institute San Juan Capistrano); PubMed 33471991 (cited by 3 submitters).

NM_000051.4(ATM):c.2942G>A (p.Arg981His)

Gene: ATM (ATM serine/threonine kinase; plus strand). Cytogenetic location: 11q22.3.
Variant type: single nucleotide variant.
Coding change: c.2942G>A on transcript NM_000051.4 (MANE Select); coding-DNA position 2942, G replaced by A.
Protein change: p.Arg981His; replaces arginine 981 with histidine.
Molecular consequence: missense variant.
Genome position (GRCh38, 1-based): chr11:108,271,271, G>A. VCF-style: chr11-108271271-G-A. GRCh37 (hg19) VCF-style: chr11-108141998-G-A.
Other names: c.2942G>A, p.Arg981His (NM_001351834.2); c.2942G>A (NM_000051.2); short protein forms R981H.
Identifiers: ClinVar variation 230737 (VCV000230737.33), dbSNP rs755896387, ClinGen allele CA6265162.
Genomic context (GRCh38, chr11:108,271,271, plus strand): 5'-AAGCTTATAAAGTTGAACTTTTTTTTTTTTTTTACCACAGCAATGTGTGTTCTTTGTATC[G>A]TCGTGACCAAGATGTTTGTAAAACTATTTTAAACCATGTCCTTCATGTAGTGAAAAACCT-3'
Protein context (NP_000042.3, residues 971-991): KPLSNVCSLY[Arg981His]RDQDVCKTIL